The following is an entry in ClinVar:

NM_000243.3(MEFV):c.326C>T (p.Ser109Phe)

Gene: MEFV (MEFV innate immunity regulator, pyrin; minus strand). Cytogenetic location: 16p13.3.
Variant type: single nucleotide variant.
Coding change: c.326C>T on transcript NM_000243.3 (MANE Select); coding-DNA position 326, C replaced by T.
Protein change: p.Ser109Phe; replaces serine 109 with phenylalanine.
Molecular consequence: missense variant. On other transcripts: intron variant (1).
Genome position (GRCh38, 1-based): chr16:3,254,742, G>A on the plus strand (C>T on the coding strand, the complement: MEFV is on the minus strand). VCF-style: chr16-3254742-G-A. GRCh37 (hg19) VCF-style: chr16-3304742-G-A.
Other names: c.277+1569C>T (NM_001198536.2); short protein forms S109F.
Identifiers: ClinVar variation 1931206 (VCV001931206.10), dbSNP rs2543157184, ClinGen allele CA394482416.

ClinVar aggregate classification (germline): Uncertain significance. Review status: criteria provided, multiple submitters, no conflicts (2 of 4 stars). 4 submissions from 4 submitters: Uncertain significance (4). Last evaluated 2026-03-01.

Conditions:
Familial Mediterranean fever (FMF). Also called: POLYSEROSITIS, FAMILIAL PAROXYSMAL; POLYSEROSITIS, RECURRENT; Periodic peritonitis; Benign paroxysmal peritonitis. Identifiers: Orphanet 342, MedGen C0031069, MONDO:0018088, OMIM 249100. Disease mechanism: gain of function.
Acute febrile neutrophilic dermatosis (AFND). Also called: Sweet Syndrome; Gomm Button disease. Identifiers: Orphanet 3243, MedGen C0085077, MONDO:0011959, OMIM 608068.
Familial Mediterranean fever, autosomal dominant. Also called: FMF, AUTOSOMAL DOMINANT; Dominant Familial Mediterranean Fever. Identifiers: Orphanet 342, MedGen C1851347, MONDO:0007601, OMIM 134610.

Allele frequency attached by ClinVar (database versions not stated): gnomAD exomes below 0.00001.
gnomAD v4.1: 2 of 1,612,820 alleles (0.00012%); highest among the groups gnomAD compares: East Asian, 0.0045%; no homozygotes.

Submissions (4):

CeGaT Center for Human Genetics Tuebingen
Classification: Uncertain significance. Last evaluated: 2026-03-01. Review status: criteria provided, single submitter. Criteria: CeGaT Center For Human Genetics Tuebingen Variant Classification Criteria Version 2. Collection method: clinical testing. Allele origin: germline. Affected: yes. Observed: 1 variant allele.
Comment: MEFV: PM2, BP4

Fulgent Genetics
Classification: Uncertain significance for Familial Mediterranean fever, autosomal dominant; Familial Mediterranean fever; Acute febrile neutrophilic dermatosis. Last evaluated: 2024-04-23. Review status: criteria provided, single submitter. Criteria: ACMG Guidelines, 2015. Collection method: clinical testing. Allele origin: germline.

Labcorp Genetics (formerly Invitae), Labcorp
Classification: Uncertain significance for Familial Mediterranean fever. Last evaluated: 2022-08-16. Review status: criteria provided, single submitter. Criteria: Invitae Variant Classification Sherloc (09022015). Collection method: clinical testing. Allele origin: germline.
Comment: This sequence change replaces serine, which is neutral and polar, with phenylalanine, which is neutral and non-polar, at codon 109 of the MEFV protein (p.Ser109Phe). This variant is not present in population databases (gnomAD no frequency). This variant has not been reported in the literature in individuals affected with MEFV-related conditions. Algorithms developed to predict the effect of missense changes on protein structure and function output the following: SIFT: "Tolerated"; PolyPhen-2: "Benign"; Align-GVGD: "Class C0". The phenylalanine amino acid residue is found in multiple mammalian species, which suggests that this missense change does not adversely affect protein function. In summary, the available evidence is currently insufficient to determine the role of this variant in disease. Therefore, it has been classified as a Variant of Uncertain Significance.

Revvity Omics, Revvity
Classification: Uncertain significance. Last evaluated: 2019-11-08. Review status: criteria provided, single submitter. Criteria: ACMG Guidelines, 2015. Collection method: clinical testing. Allele origin: germline.